The following is an entry in ClinVar:

NM_182961.4(SYNE1):c.1471T>A (p.Phe491Ile)

Gene: SYNE1 (spectrin repeat containing nuclear envelope protein 1; minus strand). Cytogenetic location: 6q25.2.
Variant type: single nucleotide variant.
Coding change: c.1471T>A on transcript NM_182961.4 (MANE Select); coding-DNA position 1471, T replaced by A.
Protein change: p.Phe491Ile; replaces phenylalanine 491 with isoleucine.
Molecular consequence: missense variant.
Genome position (GRCh38, 1-based): chr6:152,471,758, A>T on the plus strand (T>A on the coding strand, the complement: SYNE1 is on the minus strand). VCF-style: chr6-152471758-A-T. GRCh37 (hg19) VCF-style: chr6-152792893-A-T.
Other names: c.1492T>A, p.Phe498Ile (NM_033071.5); short protein forms F491I, F498I.
Identifiers: ClinVar variation 5020912 (VCV005020912.1).

ClinVar aggregate classification (germline): Uncertain significance (1 of 4 stars; one submission).

Submission:

Dasa
Classification: Uncertain significance. Last evaluated: 2025-07-22. Review status: criteria provided, single submitter. Criteria: DASA Assertion Criteria. Collection method: clinical testing. Allele origin: germline.
Comment: NM_182961.4(SYNE1):c.1471T>A (p.Phe491Ile) is a missense variant that results in the substitution of phenylalanine with isoleucine. This variant is absent from population databases. Computational prediction algorithms are consistent with a benign effect. The currently available literature and clinical evidence are not sufficient to establish a definitive association between this variant and the reported condition. Therefore, this variant is classified as a variant of uncertain significance.